The following is an entry in ClinVar:

NM_000548.5(TSC2):c.4940C>T (p.Ser1647Phe)

Gene: TSC2 (TSC complex subunit 2; plus strand). Cytogenetic location: 16p13.3.
Variant type: single nucleotide variant.
Coding change: c.4940C>T on transcript NM_000548.5 (MANE Select); coding-DNA position 4940, C replaced by T.
Protein change: p.Ser1647Phe; replaces serine 1647 with phenylalanine.
Molecular consequence: missense variant.
Genome position (GRCh38, 1-based): chr16:2,086,822, C>T. VCF-style: chr16-2086822-C-T. GRCh37 (hg19) VCF-style: chr16-2136823-C-T.
Other names: c.4940C>T (NM_000548.3); c.4811C>T, p.Ser1604Phe (NM_001370405.1, NM_021055.3); c.4739C>T, p.Ser1580Phe (NM_001077183.3); c.4871C>T, p.Ser1624Phe (NM_001114382.3); c.4631C>T, p.Ser1544Phe (NM_001318827.2); c.4595C>T, p.Ser1532Phe (NM_001318829.2); c.4208C>T, p.Ser1403Phe (NM_001318831.2); c.4772C>T, p.Ser1591Phe (NM_001318832.2); and 2 more; short protein forms S1403F, S1532F, S1544F, S1580F, S1581F, S1591F, S1603F, S1604F.
Identifiers: ClinVar variation 1019089 (VCV001019089.12), dbSNP rs2090863579, ClinGen allele CA394308747.
Genomic context (GRCh38, chr16:2,086,822, plus strand): 5'-CCAAGGACGTGGACAAGCACCGCTGCGACAAGAAGCGCCACCTGGGCAACGACTTTGTGT[C>T]CATTGTCTACAATGACTCCGGTGAGGACTTCAAGCTTGGCACCATCAAGGTGAGTGAGGG-3'
Protein context (NP_000539.2, residues 1637-1657): KKRHLGNDFV[Ser1647Phe]IVYNDSGEDF

ClinVar aggregate classification (germline): Uncertain significance. Review status: criteria provided, multiple submitters, no conflicts (2 of 4 stars). 3 submissions from 3 submitters: Uncertain significance (3). Last evaluated 2025-11-25.

Conditions:
Tuberous sclerosis 2 (TSC2). Identifiers: Orphanet 805, MedGen C1860707, MONDO:0013199, OMIM 613254.
Tuberous sclerosis syndrome (TSC). Also called: Tuberous Sclerosis Complex; Tuberous sclerosis. Identifiers: Orphanet 805, MedGen C0041341, MONDO:0001734.
Hereditary cancer-predisposing syndrome. Also called: Tumor predisposition; Hereditary Cancer Syndrome; Neoplastic Syndromes, Hereditary; Hereditary neoplastic syndrome. Identifiers: Orphanet 140162, MedGen C0027672, MeSH D009386, MONDO:0015356.

gnomAD v4.1: 1 of 1,609,360 alleles (0.000062%); no homozygotes.

Submissions (3):

Ambry Genetics
Classification: Uncertain significance for Hereditary cancer-predisposing syndrome. Last evaluated: 2025-11-25. Review status: criteria provided, single submitter. Criteria: Ambry Variant Classification Scheme 2023. Collection method: clinical testing. Allele origin: germline.
Comment: The p.S1647F variant (also known as c.4940C>T), located in coding exon 37 of the TSC2 gene, results from a C to T substitution at nucleotide position 4940. The serine at codon 1647 is replaced by phenylalanine, an amino acid with highly dissimilar properties. This amino acid position is conserved. In addition, this alteration is predicted to be deleterious by in silico analysis. Based on the available evidence, the clinical significance of this variant remains unclear.

All of Us Research Program, National Institutes of Health
Classification: Uncertain significance for Tuberous sclerosis syndrome. Last evaluated: 2024-09-23. Review status: criteria provided, single submitter. Criteria: ACMG Guidelines, 2015. Collection method: clinical testing. Allele origin: germline. Inheritance: Autosomal dominant inheritance. Observed: 1 variant allele, 1 heterozygote.
Comment: This study involves interpretation of variants in research participants for the purpose of population health screening. Participant phenotype was not available at the time of variant classification. Additional details can be found in publication PMID: 35346344, PMCID: PMC8962531

Labcorp Genetics (formerly Invitae), Labcorp
Classification: Uncertain significance for Tuberous sclerosis 2. Last evaluated: 2024-04-29. Review status: criteria provided, single submitter. Criteria: Invitae Variant Classification Sherloc (09022015). Collection method: clinical testing. Allele origin: germline.
Comment: This sequence change replaces serine, which is neutral and polar, with phenylalanine, which is neutral and non-polar, at codon 1647 of the TSC2 protein (p.Ser1647Phe). This variant is not present in population databases (gnomAD no frequency). This variant has not been reported in the literature in individuals affected with TSC2-related conditions. ClinVar contains an entry for this variant (Variation ID: 1019089). Advanced modeling of protein sequence and biophysical properties (such as structural, functional, and spatial information, amino acid conservation, physicochemical variation, residue mobility, and thermodynamic stability) performed at Invitae indicates that this missense variant is not expected to disrupt TSC2 protein function with a negative predictive value of 95%. In summary, the available evidence is currently insufficient to determine the role of this variant in disease. Therefore, it has been classified as a Variant of Uncertain Significance.